The following is an entry in ClinVar:

ClinVar aggregate classification (germline): Benign (1 of 4 stars; one submission).

Submission:

GeneDx
Classification: Benign. Last evaluated: 2018-06-14. Review status: criteria provided, single submitter. Criteria: GeneDx Variant Classification (06012015). Collection method: clinical testing. Allele origin: germline. Affected: yes.
Comment: This variant is considered likely benign or benign based on one or more of the following criteria: it is a conservative change, it occurs at a poorly conserved position in the protein, it is predicted to be benign by multiple in silico algorithms, and/or has population frequency not consistent with disease.

NM_004046.6(ATP5F1A):c.1430-183_1430-182del

Gene: ATP5F1A (ATP synthase F1 subunit alpha; minus strand). Cytogenetic location: 18q21.1.
Variant type: Deletion.
Coding change: c.1430-183_1430-182del on transcript NM_004046.6 (MANE Select); 183 bases into the intron before coding-DNA position 1430 through 182 bases into the intron before coding-DNA position 1430, 2 bases deleted (GT; older notation c.1430-183_1430-182delGT).
Molecular consequence: intron variant.
Genome position (GRCh38, 1-based): chr18:46,084,836-46,084,837, AC deleted on the plus strand (GT on the coding strand, the reverse complement: ATP5F1A is on the minus strand); deleting any 2 consecutive bases within chr18:46,084,836-46,084,838 gives the same sequence; the c. name uses the placement nearest the transcript's 3' end. VCF-style (leftmost placement, unchanged base first): chr18-46084835-AAC-A. GRCh37 (hg19) VCF-style: chr18-43664801-AAC-A.
Other names: c.1364-183_1364-182del (NM_001257334.2); c.1280-183_1280-182del (NM_001001935.3, NM_001257335.2); c.1430-183_1430-182del (NM_001001937.2).
Identifiers: ClinVar variation 683338 (VCV000683338.1), dbSNP rs33919884, ClinGen allele CA299765132.